The following is an entry in ClinVar:

ClinVar aggregate classification (germline): Uncertain significance (1 of 4 stars; one submission).

Conditions:
Inborn genetic diseases. Identifiers: MedGen C0950123, MeSH D030342.

Submission:

Ambry Genetics
Classification: Uncertain significance for Inborn genetic diseases. Last evaluated: 2024-12-22. Review status: criteria provided, single submitter. Criteria: Ambry Variant Classification Scheme 2023. Collection method: clinical testing. Allele origin: germline.
Comment: The p.V215L variant (also known as c.643G>C), located in coding exon 2 of the GATA2 gene, results from a G to C substitution at nucleotide position 643. The valine at codon 215 is replaced by leucine, an amino acid with highly similar properties. This amino acid position is conserved. In addition, the in silico prediction for this alteration is inconclusive. Based on the available evidence, the clinical significance of this variant remains unclear.

NM_032638.5(GATA2):c.643G>C (p.Val215Leu)

Gene: GATA2 (GATA binding protein 2; minus strand). Cytogenetic location: 3q21.3.
Variant type: single nucleotide variant.
Coding change: c.643G>C on transcript NM_032638.5 (MANE Select); coding-DNA position 643, G replaced by C.
Protein change: p.Val215Leu; replaces valine 215 with leucine.
Molecular consequence: missense variant.
Genome position (GRCh38, 1-based): chr3:128,485,955, C>G on the plus strand (G>C on the coding strand, the complement: GATA2 is on the minus strand). VCF-style: chr3-128485955-C-G. GRCh37 (hg19) VCF-style: chr3-128204798-C-G.
Other names: c.643G>C, p.Val215Leu (NM_001145661.2, NM_001145662.1); short protein forms V215L.
Identifiers: ClinVar variation 3853013 (VCV003853013.1).